The following is an entry in ClinVar:

NM_000088.4(COL1A1):c.3536C>T (p.Pro1179Leu)

Gene: COL1A1 (collagen type I alpha 1 chain; minus strand). Cytogenetic location: 17q21.33.
Variant type: single nucleotide variant.
Coding change: c.3536C>T on transcript NM_000088.4 (MANE Select); coding-DNA position 3536, C replaced by T.
Protein change: p.Pro1179Leu; replaces proline 1179 with leucine.
Molecular consequence: missense variant.
Genome position (GRCh38, 1-based): chr17:50,186,918, G>A on the plus strand (C>T on the coding strand, the complement: COL1A1 is on the minus strand). VCF-style: chr17-50186918-G-A. GRCh37 (hg19) VCF-style: chr17-48264279-G-A.
Other names: short protein forms P1179L.
Identifiers: ClinVar variation 4869117 (VCV004869117.1).

ClinVar aggregate classification (germline): Uncertain significance (1 of 4 stars; one submission).

Conditions:
Cardiovascular phenotype. Identifiers: MedGen CN230736.

Submission:

Ambry Genetics
Classification: Uncertain significance for Cardiovascular phenotype. Last evaluated: 2026-06-09. Review status: criteria provided, single submitter. Criteria: Ambry Variant Classification Scheme 2023. Collection method: clinical testing. Allele origin: germline.
Comment: The p.P1179L variant (also known as c.3536C>T), located in coding exon 48 of the COL1A1 gene, results from a C to T substitution at nucleotide position 3536. The proline at codon 1179 is replaced by leucine, an amino acid with similar properties. This amino acid position is conserved. In addition, the in silico prediction for this alteration is inconclusive. Based on the available evidence, the clinical significance of this variant remains unclear.